The following is an entry in ClinVar:

NM_153252.5(BRWD3):c.2835+5T>C

Gene: BRWD3 (bromodomain and WD repeat domain containing 3; minus strand). Cytogenetic location: Xq21.1.
Variant type: single nucleotide variant.
Coding change: c.2835+5T>C on transcript NM_153252.5 (MANE Select); 5 bases into the intron after coding-DNA position 2835, T replaced by C.
Molecular consequence: intron variant.
Genome position (GRCh38, 1-based): chrX:80,703,475, A>G on the plus strand (T>C on the coding strand, the complement: BRWD3 is on the minus strand). VCF-style: chrX-80703475-A-G. GRCh37 (hg19) VCF-style: chrX-79958974-A-G.
Identifiers: ClinVar variation 1481342 (VCV001481342.6), dbSNP rs771096487, ClinGen allele CA10461948.

ClinVar aggregate classification (germline): Uncertain significance (1 of 4 stars; one submission).

Allele frequency attached by ClinVar (database versions not stated): gnomAD 0.00001; TOPMed 0.00002; ExAC 0.00003.
gnomAD v4.1: 1 of 1,170,533 alleles (0.000085%); highest among the groups gnomAD compares: African/African-American, 0.0018%; no homozygotes.

Submission:

Labcorp Genetics (formerly Invitae), Labcorp
Classification: Uncertain significance. Last evaluated: 2022-06-05. Review status: criteria provided, single submitter. Criteria: Invitae Variant Classification Sherloc (09022015). Collection method: clinical testing. Allele origin: germline.
Comment: In summary, the available evidence is currently insufficient to determine the role of this variant in disease. Therefore, it has been classified as a Variant of Uncertain Significance. This sequence change falls in intron 24 of the BRWD3 gene. It does not directly change the encoded amino acid sequence of the BRWD3 protein. It affects a nucleotide within the consensus splice site. This variant is present in population databases (rs771096487, gnomAD 0.009%). This variant has not been reported in the literature in individuals affected with BRWD3-related conditions. ClinVar contains an entry for this variant (Variation ID: 1481342). Variants that disrupt the consensus splice site are a relatively common cause of aberrant splicing (PMID: 17576681, 9536098). Algorithms developed to predict the effect of sequence changes on RNA splicing suggest that this variant is not likely to affect RNA splicing.

Literature cited by the submitters: PubMed 17576681; PubMed 9536098.